The following is an entry in ClinVar:

ClinVar aggregate classification (germline): Uncertain significance (1 of 4 stars; one submission).

Conditions:
Primary ciliary dyskinesia. Also called: Ciliary dyskinesia. Identifiers: Orphanet 244, MedGen C0008780, MONDO:0016575, HP:0012265.

Allele frequency attached by ClinVar (database versions not stated): gnomAD exomes below 0.00001; gnomAD 0.00001.
gnomAD v4.1: 3 of 1,612,286 alleles (0.00019%); highest among the groups gnomAD compares: Non-Finnish European, 0.00025%; no homozygotes.

Submission:

Ambry Genetics
Classification: Uncertain significance for Primary ciliary dyskinesia. Last evaluated: 2023-08-25. Review status: criteria provided, single submitter. Criteria: Ambry Variant Classification Scheme 2023. Collection method: clinical testing. Allele origin: germline.
Comment: The p.L1292F variant (also known as c.3876A>T), located in coding exon 21 of the DNAH11 gene, results from an A to T substitution at nucleotide position 3876. The leucine at codon 1292 is replaced by phenylalanine, an amino acid with highly similar properties. This amino acid position is conserved. In addition, this alteration is predicted to be tolerated by in silico analysis. Since supporting evidence is limited at this time, the clinical significance of this alteration remains unclear.

NM_001277115.2(DNAH11):c.3876A>T (p.Leu1292Phe)

Gene: DNAH11 (dynein axonemal heavy chain 11; plus strand). Cytogenetic location: 7p15.3.
Variant type: single nucleotide variant.
Coding change: c.3876A>T on transcript NM_001277115.2 (MANE Select); coding-DNA position 3876, A replaced by T.
Protein change: p.Leu1292Phe; replaces leucine 1292 with phenylalanine.
Molecular consequence: missense variant.
Genome position (GRCh38, 1-based): chr7:21,615,137, A>T. VCF-style: chr7-21615137-A-T. GRCh37 (hg19) VCF-style: chr7-21654755-A-T.
Other names: c.3876A>T, p.Leu1292Phe (NM_003777.3); short protein forms L1292F.
Identifiers: ClinVar variation 2587910 (VCV002587910.2), dbSNP rs1469978035, ClinGen allele CA366951059.